The following is an entry in ClinVar:

ClinVar aggregate classification (germline): Benign. Review status: criteria provided, multiple submitters, no conflicts (2 of 4 stars). 5 submissions from 5 submitters: Benign (5). Last evaluated 2026-02-02.

Conditions:
Neuropathy, hereditary sensory and autonomic, type 2B (HSAN2B). Also called: RETREG1-Related HSAN2 (HSAN2B). Identifiers: Orphanet 970, MedGen C2751092, MONDO:0013142, OMIM 613115.

Allele frequency attached by ClinVar (database versions not stated): gnomAD exomes 0.00326 and 0.00818; ExAC 0.00972; gnomAD 0.03152 and 0.03341; ESP Exome Variant Server 0.03330; TOPMed 0.03622; 1000 Genomes Project 0.03794; 1000 Genomes Project 30x 0.03982.
gnomAD v4.1: 9,884 of 1,613,976 alleles (0.61%); highest among the groups gnomAD compares: African/African-American, 11%; 481 homozygotes.

Submissions (5):

Labcorp Genetics (formerly Invitae), Labcorp
Classification: Benign. Last evaluated: 2026-02-02. Review status: criteria provided, single submitter. Criteria: Invitae Variant Classification Sherloc (09022015). Collection method: clinical testing. Allele origin: germline.

Illumina Laboratory Services, Illumina
Classification: Benign for Neuropathy, hereditary sensory and autonomic, type 2B. Last evaluated: 2018-01-13. Review status: criteria provided, single submitter. Criteria: ICSL Variant Classification Criteria 13 December 2019. Collection method: clinical testing. Allele origin: germline.
Comment: This variant was observed in the ICSL laboratory as part of a predisposition screen in an ostensibly healthy population. It had not been previously curated by ICSL or reported in the Human Gene Mutation Database (HGMD: prior to June 1st, 2018), and was therefore a candidate for classification through an automated scoring system. Utilizing variant allele frequency, disease prevalence and penetrance estimates, and inheritance mode, an automated score was calculated to assess if this variant is too frequent to cause the disease. Based on the score and internal cut-off values, a variant classified as benign is not then subjected to further curation. The score for this variant resulted in a classification of benign for this disease.

Mayo Clinic Laboratories, Mayo Clinic
Classification: Benign. Last evaluated: 2016-05-13. Review status: criteria provided, single submitter. Criteria: ACMG Guidelines, 2015. Collection method: clinical testing. Allele origin: germline. Observed: 28 variant alleles.

GeneDx
Classification: Benign. Last evaluated: 2015-09-14. Review status: criteria provided, single submitter. Criteria: GeneDx Variant Classification (06012015). Collection method: clinical testing. Allele origin: germline. Affected: yes.
Comment: This variant is considered likely benign or benign based on one or more of the following criteria: it is a conservative change, it occurs at a poorly conserved position in the protein, it is predicted to be benign by multiple in silico algorithms, and/or has population frequency not consistent with disease.

Breakthrough Genomics
Classification: Benign. Review status: criteria provided, single submitter. Criteria: ACMG Guidelines, 2015. Collection method: not provided. Allele origin: germline. Inheritance: Autosomal recessive inheritance. Affected: yes.

NM_001034850.3(RETREG1):c.1145G>C (p.Ser382Thr)

Gene: RETREG1 (reticulophagy regulator 1; minus strand). Cytogenetic location: 5p15.1.
Variant type: single nucleotide variant.
Coding change: c.1145G>C on transcript NM_001034850.3 (MANE Select); coding-DNA position 1145, G replaced by C.
Protein change: p.Ser382Thr; replaces serine 382 with threonine.
Molecular consequence: missense variant.
Genome position (GRCh38, 1-based): chr5:16,475,090, C>G on the plus strand (G>C on the coding strand, the complement: RETREG1 is on the minus strand). VCF-style: chr5-16475090-C-G. GRCh37 (hg19) VCF-style: chr5-16475199-C-G.
Other names: p.Ser382Thr; c.722G>C, p.Ser241Thr (NM_019000.5); short protein forms S382T, S241T.
Identifiers: ClinVar variation 21256 (VCV000021256.17), dbSNP rs61733811, ClinGen allele CA341804.